The following is an entry in ClinVar:

ClinVar aggregate classification (germline): Likely pathogenic (1 of 4 stars; one submission).

Conditions:
Primary ciliary dyskinesia. Also called: Ciliary dyskinesia. Identifiers: Orphanet 244, MedGen C0008780, MONDO:0016575, HP:0012265.

Allele frequency attached by ClinVar (database versions not stated): gnomAD exomes below 0.00001.
gnomAD v4.1: 3 of 1,538,146 alleles (0.0002%); highest among the groups gnomAD compares: South Asian, 0.0013%; no homozygotes.

Submission:

Labcorp Genetics (formerly Invitae), Labcorp
Classification: Likely pathogenic for Primary ciliary dyskinesia. Last evaluated: 2024-01-02. Review status: criteria provided, single submitter. Criteria: Invitae Variant Classification Sherloc (09022015). Collection method: clinical testing. Allele origin: germline.
Comment: This sequence change affects an acceptor splice site in intron 13 of the DNAH11 gene. It is expected to disrupt RNA splicing. Variants that disrupt the donor or acceptor splice site typically lead to a loss of protein function (PMID: 16199547), and loss-of-function variants in DNAH11 are known to be pathogenic (PMID: 18022865, 20513915, 22184204). This variant is not present in population databases (gnomAD no frequency). This variant has not been reported in the literature in individuals affected with DNAH11-related conditions. Algorithms developed to predict the effect of sequence changes on RNA splicing suggest that this variant may disrupt the consensus splice site. In summary, the currently available evidence indicates that the variant is pathogenic, but additional data are needed to prove that conclusively. Therefore, this variant has been classified as Likely Pathogenic.

Literature cited by the submitters: PubMed 16199547; PubMed 18022865; PubMed 20513915; PubMed 22184204.

NM_001277115.2(DNAH11):c.2275-2A>G

Gene: DNAH11 (dynein axonemal heavy chain 11; plus strand). Cytogenetic location: 7p15.3.
Variant type: single nucleotide variant.
Coding change: c.2275-2A>G on transcript NM_001277115.2 (MANE Select); the canonical splice acceptor site of the intron before coding-DNA position 2275, A replaced by G.
Molecular consequence: splice acceptor variant.
Genome position (GRCh38, 1-based): chr7:21,591,183, A>G. VCF-style: chr7-21591183-A-G. GRCh37 (hg19) VCF-style: chr7-21630801-A-G.
Identifiers: ClinVar variation 2799701 (VCV002799701.3), dbSNP rs2534597561, ClinGen allele CA366942218.